The following is an entry in ClinVar:

ClinVar aggregate classification (germline): Uncertain significance (1 of 4 stars; one submission).

Conditions:
ARHGAP24-related disorder. Also called: ARHGAP24-related condition.

gnomAD v4.1: 32 of 1,613,808 alleles (0.002%); highest among the groups gnomAD compares: East Asian, 0.0089%; no homozygotes.

Submission:

PreventionGenetics, part of Exact Sciences
Classification: Uncertain significance for ARHGAP24-related condition. Last evaluated: 2026-06-27. Review status: criteria provided, single submitter. Criteria: ACMG Guidelines, 2015. Collection method: clinical testing. Allele origin: germline.
Comment: The ARHGAP24 c.362G>A variant is predicted to result in the amino acid substitution p.Arg121His. This variant was reported in an individual with focal segmental glomerulosclerosis (FSGS), but this individual was found to have another variant of uncertain significance in the same gene (Fujimaru et al. 2024. PubMed ID: 38765603). This variant is reported in 0.0080% of alleles in individuals of African descent in gnomAD. At this time, the clinical significance of this variant is uncertain due to the absence of conclusive functional and genetic evidence.

NM_001025616.3(ARHGAP24):c.362G>A (p.Arg121His)

Gene: ARHGAP24 (Rho GTPase activating protein 24; plus strand). Cytogenetic location: 4q21.23.
Variant type: single nucleotide variant.
Coding change: c.362G>A on transcript NM_001025616.3 (MANE Select); coding-DNA position 362, G replaced by A.
Protein change: p.Arg121His; replaces arginine 121 with histidine.
Molecular consequence: missense variant. On other transcripts: 5 prime UTR variant (1).
Genome position (GRCh38, 1-based): chr4:85,923,741, G>A. VCF-style: chr4-85923741-G-A. GRCh37 (hg19) VCF-style: chr4-86844894-G-A.
Other names: c.77G>A, p.Arg26His (NM_001042669.2); c.107G>A, p.Arg36His (NM_001287805.2); c.-10G>A (NM_001346093.2); short protein forms R121H, R26H, R36H.
Identifiers: ClinVar variation 4979318 (VCV004979318.1).
Genomic context (GRCh38, chr4:85,923,741, plus strand): 5'-AAAGCTACCTCCTCATGGCAAGCACCCAGAATGATATGGAAGACTGGGTGAAGTCAATCC[G>A]CCGAGTCATATGGGGACCTTTCGGAGGAGGTGAGTGTACTTTAAAATCATGGAAAAACAG-3'
Protein context (NP_001020787.2, residues 111-131): NDMEDWVKSI[Arg121His]RVIWGPFGGG